The following is an entry in ClinVar:

NM_006509.4(RELB):c.830A>T (p.Gln277Leu)

Gene: RELB (RELB proto-oncogene, NF-kB subunit; plus strand). Cytogenetic location: 19q13.32.
Variant type: single nucleotide variant.
Coding change: c.830A>T on transcript NM_006509.4 (MANE Select); coding-DNA position 830, A replaced by T.
Protein change: p.Gln277Leu; replaces glutamine 277 with leucine.
Molecular consequence: missense variant.
Genome position (GRCh38, 1-based): chr19:45,025,681, A>T. VCF-style: chr19-45025681-A-T. GRCh37 (hg19) VCF-style: chr19-45528939-A-T.
Other names: c.821A>T, p.Gln274Leu (NM_001411087.1); short protein forms Q277L, Q274L.
Identifiers: ClinVar variation 2074085 (VCV002074085.4), dbSNP rs2513651509, ClinGen allele CA406300023.

ClinVar aggregate classification (germline): Uncertain significance (1 of 4 stars; one submission).

Submission:

Labcorp Genetics (formerly Invitae), Labcorp
Classification: Uncertain significance. Last evaluated: 2022-01-04. Review status: criteria provided, single submitter. Criteria: Invitae Variant Classification Sherloc (09022015). Collection method: clinical testing. Allele origin: germline.
Comment: In summary, the available evidence is currently insufficient to determine the role of this variant in disease. Therefore, it has been classified as a Variant of Uncertain Significance. Algorithms developed to predict the effect of missense changes on protein structure and function (SIFT, PolyPhen-2, Align-GVGD) all suggest that this variant is likely to be tolerated. This variant has not been reported in the literature in individuals affected with RELB-related conditions. This variant is not present in population databases (gnomAD no frequency). This sequence change replaces glutamine, which is neutral and polar, with leucine, which is neutral and non-polar, at codon 277 of the RELB protein (p.Gln277Leu).